The following is an entry in ClinVar:

ClinVar aggregate classification (germline): Benign. Review status: criteria provided, multiple submitters, no conflicts (2 of 4 stars). 3 submissions from 2 submitters: Benign (3). Last evaluated 2018-01-13.

Conditions:
Craniometaphyseal dysplasia, autosomal dominant (CMDD). Identifiers: Orphanet 1522, MedGen C1852502, MONDO:0007397, OMIM 123000.
Chondrocalcinosis 2. Also called: CALCIUM GOUT; CALCIUM PYROPHOSPHATE ARTHROPATHY; Familial calcium pyrophosphate deposition. Identifiers: Orphanet 1416, MedGen C0856830, MONDO:0007319, OMIM 118600.

Allele frequency attached by ClinVar (database versions not stated): 1000 Genomes Project 0.02656; 1000 Genomes Project 30x 0.02748; TOPMed 0.05725; gnomAD exomes 0.05786; gnomAD 0.06024 and 0.06225.
gnomAD v4.1: 10,649 of 176,886 alleles (6%); highest among the groups gnomAD compares: Non-Finnish European, 9.3%; 387 homozygotes.

Submissions (3):

Illumina Laboratory Services, Illumina
Classification: Benign for Craniometaphyseal dysplasia, autosomal dominant. Last evaluated: 2018-01-13. Review status: criteria provided, single submitter. Criteria: ICSL Variant Classification Criteria 13 December 2019. Collection method: clinical testing. Allele origin: germline.
Comment: This variant was observed in the ICSL laboratory as part of a predisposition screen in an ostensibly healthy population. It had not been previously curated by ICSL or reported in the Human Gene Mutation Database (HGMD: prior to June 1st, 2018), and was therefore a candidate for classification through an automated scoring system. Utilizing variant allele frequency, disease prevalence and penetrance estimates, and inheritance mode, an automated score was calculated to assess if this variant is too frequent to cause the disease. Based on the score and internal cut-off values, a variant classified as benign is not then subjected to further curation. The score for this variant resulted in a classification of benign for this disease.

Illumina Laboratory Services, Illumina
Classification: Benign for Chondrocalcinosis 2. Last evaluated: 2018-01-13. Review status: criteria provided, single submitter. Criteria: ICSL Variant Classification Criteria 13 December 2019. Collection method: clinical testing. Allele origin: germline.
Comment: the same text as in the submission from Illumina Laboratory Services, Illumina above.

Breakthrough Genomics
Classification: Benign. Review status: criteria provided, single submitter. Criteria: ACMG Guidelines, 2015. Collection method: not provided. Allele origin: germline. Inheritance: Autosomal dominant inheritance. Affected: yes.

NM_054027.6(ANKH):c.*510C>T

Genes: ANKH (ANKH inorganic pyrophosphate transport regulator; minus strand), OTULIN (OTU deubiquitinase with linear linkage specificity; plus strand). Cytogenetic location: 5p15.2.
Variant type: single nucleotide variant.
Coding change: c.*510C>T on transcript NM_054027.6 (MANE Select); 510 bases downstream of the stop codon, C replaced by T.
Molecular consequence: 3 prime UTR variant.
Genome position (GRCh38, 1-based): chr5:14,710,687, G>A on the plus strand (C>T on the coding strand, the complement: ANKH is on the minus strand). VCF-style: chr5-14710687-G-A. GRCh37 (hg19) VCF-style: chr5-14710796-G-A.
Identifiers: ClinVar variation 351489 (VCV000351489.6), dbSNP rs17364066, ClinGen allele CA10619321.